The following is an entry in ClinVar:

NM_000308.4(CTSA):c.44T>A (p.Leu15Gln)

Gene: CTSA (cathepsin A; plus strand). Cytogenetic location: 20q13.12.
Variant type: single nucleotide variant.
Coding change: c.44T>A on transcript NM_000308.4 (MANE Select); coding-DNA position 44, T replaced by A.
Protein change: p.Leu15Gln; replaces leucine 15 with glutamine.
Molecular consequence: missense variant. On other transcripts: non-coding transcript variant (1).
Genome position (GRCh38, 1-based): chr20:45,891,612, T>A. VCF-style: chr20-45891612-T-A. GRCh37 (hg19) VCF-style: chr20-44520251-T-A.
Other names: c.44T>A, p.Leu15Gln (NM_001127695.3, NM_001167594.3); short protein forms L15Q.
Identifiers: ClinVar variation 2825295 (VCV002825295.3), dbSNP rs142125327, ClinGen allele CA9882906.
Genomic context (GRCh38, chr20:45,891,612, plus strand): 5'-TCTGCTGCCTCCCGTAGATGATCCGAGCCGCGCCGCCGCCGCTGTTCCTGCTGCTGCTGC[T>A]GCTGCTGCTGCTAGTGTCCTGGGCGTCCCGAGGCGAGGCAGCCCCCGACCAGGACGAGAT-3'
Protein context (NP_000299.3, residues 5-25): APPPLFLLLL[Leu15Gln]LLLLVSWASR

ClinVar aggregate classification (germline): Uncertain significance (1 of 4 stars; one submission).

Conditions:
Combined deficiency of sialidase AND beta galactosidase (GSL). Also called: Galactosialidosis; CATHEPSIN A DEFICIENCY; GOLDBERG SYNDROME; NEURAMINIDASE DEFICIENCY WITH BETA-GALACTOSIDASE DEFICIENCY; NEURAMINIDASE/BETA-GALACTOSIDASE EXPRESSION; PPCA DEFICIENCY. Identifiers: Orphanet 351, MedGen C0268233, MONDO:0009737, OMIM 256540.

Allele frequency attached by ClinVar (database versions not stated): gnomAD exomes below 0.00001; gnomAD 0.00001; TOPMed 0.00001; ExAC 0.00002; ESP Exome Variant Server 0.00008.
gnomAD v4.1: 6 of 1,609,792 alleles (0.00037%); highest among the groups gnomAD compares: East Asian, 0.0089%; no homozygotes.

Submission:

Labcorp Genetics (formerly Invitae), Labcorp
Classification: Uncertain significance for Combined deficiency of sialidase AND beta galactosidase. Last evaluated: 2023-04-22. Review status: criteria provided, single submitter. Criteria: Invitae Variant Classification Sherloc (09022015). Collection method: clinical testing. Allele origin: germline.
Comment: This sequence change replaces leucine, which is neutral and non-polar, with glutamine, which is neutral and polar, at codon 33 of the CTSA protein (p.Leu33Gln). The frequency data for this variant in the population databases is considered unreliable, as metrics indicate poor data quality at this position in the gnomAD database. This variant has not been reported in the literature in individuals affected with CTSA-related conditions. An algorithm developed to predict the effect of missense changes on protein structure and function (PolyPhen-2) suggests that this variant is likely to be disruptive. In summary, the available evidence is currently insufficient to determine the role of this variant in disease. Therefore, it has been classified as a Variant of Uncertain Significance.